The following is an entry in ClinVar:

ClinVar aggregate classification (germline): Uncertain significance (1 of 4 stars; one submission).

Conditions:
Hypertrophic cardiomyopathy 26. Also called: Cardiomyopathy, familial hypertrophic, 26. Identifiers: Orphanet 75249, MedGen C4310749, MONDO:0014883, OMIM 617047.
Myofibrillar myopathy 5. Also called: Filaminopathy (type); FILAMINOPATHY, AUTOSOMAL DOMINANT. Identifiers: Orphanet 171445, MedGen C1836050, MONDO:0012289, OMIM 609524.
Distal myopathy with posterior leg and anterior hand involvement. Also called: WILLIAMS DISTAL MYOPATHY. Identifiers: Orphanet 63273, MedGen C3279722, MONDO:0013550, OMIM 614065.

Submission:

Labcorp Genetics (formerly Invitae), Labcorp
Classification: Uncertain significance for Distal myopathy with posterior leg and anterior hand involvement; Myofibrillar myopathy 5; Hypertrophic cardiomyopathy 26. Last evaluated: 2025-10-22. Review status: criteria provided, single submitter. Criteria: Invitae Variant Classification Sherloc (09022015). Collection method: clinical testing. Allele origin: germline.
Comment: This sequence change replaces lysine, which is basic and polar, with glutamic acid, which is acidic and polar, at codon 1586 of the FLNC protein (p.Lys1586Glu). This variant is not present in population databases (gnomAD no frequency). This variant has not been reported in the literature in individuals affected with FLNC-related conditions. Invitae Evidence Modeling of protein sequence and biophysical properties (such as structural, functional, and spatial information, amino acid conservation, physicochemical variation, residue mobility, and thermodynamic stability) has been performed for this missense variant. However, the output from this modeling did not meet the statistical confidence thresholds required to predict the impact of this variant on FLNC protein function. In summary, the available evidence is currently insufficient to determine the role of this variant in disease. Therefore, it has been classified as a Variant of Uncertain Significance.

NM_001458.5(FLNC):c.4756A>G (p.Lys1586Glu)

Gene: FLNC (filamin C; plus strand). Cytogenetic location: 7q32.1.
Variant type: single nucleotide variant.
Coding change: c.4756A>G on transcript NM_001458.5 (MANE Select); coding-DNA position 4756, A replaced by G.
Protein change: p.Lys1586Glu; replaces lysine 1586 with glutamic acid.
Molecular consequence: missense variant.
Genome position (GRCh38, 1-based): chr7:128,848,811, A>G. VCF-style: chr7-128848811-A-G. GRCh37 (hg19) VCF-style: chr7-128488865-A-G.
Other names: c.4756A>G, p.Lys1586Glu (NM_001127487.2); short protein forms K1586E.
Identifiers: ClinVar variation 4812423 (VCV004812423.1).
Genomic context (GRCh38, chr7:128,848,811, plus strand): 5'-GCTCCAGGCACAGGCGGGCCTTGACCTCTGCTTCTCCCTCAGGACCCCGAGGGTAAGCCC[A>G]AGAAGGCCAACATCCGGGACAATGGGGATGGCACGTACACTGTGTCCTACCTGCCGGACA-3'
Protein context (NP_001449.3, residues 1576-1596): VQILDPEGKP[Lys1586Glu]KANIRDNGDG